The following is an entry in ClinVar:

ClinVar aggregate classification (germline): Uncertain significance (1 of 4 stars; one submission).

Submission:

Labcorp Genetics (formerly Invitae), Labcorp
Classification: Uncertain significance. Last evaluated: 2022-08-16. Review status: criteria provided, single submitter. Criteria: Invitae Variant Classification Sherloc (09022015). Collection method: clinical testing. Allele origin: germline.
Comment: This variant results in a copy number gain of the genomic region encompassing exon(s) 4-18 of the CTNNA1 gene. This region includes the termination codon of the gene. This copy number gain extends beyond the assayed region for this gene and therefore may encompass additional genes. As the precise location of this event is unknown, it may be in tandem or it may be located elsewhere in the genome. This variant has not been reported in the literature in individuals affected with CTNNA1-related conditions. In summary, the available evidence is currently insufficient to determine the role of this variant in disease. Therefore, it has been classified as a Variant of Uncertain Significance.

NC_000005.9:g.(?_138145717)_(138269778_?)dup

Genes: CTNNA1 (catenin alpha 1; plus strand), LRRTM2 (leucine rich repeat transmembrane neuronal 2; minus strand). Cytogenetic location: 5q31.2.
Variant type: Duplication.
Identifiers: ClinVar variation 2424314 (VCV002424314.3).